The following is an entry in ClinVar:

ClinVar aggregate classification (germline): Likely benign. Review status: criteria provided, multiple submitters, no conflicts (2 of 4 stars). 4 submissions from 4 submitters: Likely benign (3). 1 of the submissions does not count toward it. Last evaluated 2026-08-01.

Conditions:
EPS8-related disorder. Also called: EPS8-related condition.

Submissions (4):

CeGaT Center for Human Genetics Tuebingen
Classification: Likely benign. Last evaluated: 2026-08-01. Review status: criteria provided, single submitter. Criteria: CeGaT Center For Human Genetics Tuebingen Variant Classification Criteria Version 2. Collection method: clinical testing. Allele origin: germline. Affected: yes. Observed: 3 variant alleles.
Comment: EPS8: BP4, BS1

Labcorp Genetics (formerly Invitae), Labcorp
Classification: Likely benign. Last evaluated: 2026-02-01. Review status: criteria provided, single submitter. Criteria: Invitae Variant Classification Sherloc (09022015). Collection method: clinical testing. Allele origin: germline.

Blueprint Genetics
Classification: Likely benign. Last evaluated: 2024-11-21. Review status: criteria provided, single submitter. Criteria: ACMG Guidelines, 2015. Collection method: clinical testing. Allele origin: germline.

PreventionGenetics, part of Exact Sciences
Classification: Benign for EPS8-related condition. Last evaluated: 2021-05-03. Review status: no assertion criteria provided. Collection method: clinical testing. Allele origin: germline. Not counted in ClinVar's aggregate classification.
Comment: This variant is classified as benign based on ACMG/AMP sequence variant interpretation guidelines (Richards et al. 2015 PMID: 25741868, with internal and published modifications).

NM_004447.6(EPS8):c.60-33TTA[13]

Gene: EPS8 (EGFR pathway substrate 8, signaling adaptor; minus strand). Cytogenetic location: 12p12.3.
Variant type: Microsatellite.
Coding change: c.60-33TTA[13] on transcript NM_004447.6 (MANE Select); 13 copies in a row of the 3-base unit TTA starting at c.60-33; the reference has ten copies in a row; three copies, 9 bases duplicated.
Molecular consequence: intron variant.
Genome position (GRCh38, 1-based): chr12:15,681,306-15,681,314, TAATAATAA duplicated on the plus strand (TTATTATTA on the coding strand, the reverse complement: EPS8 is on the minus strand); duplicating any 9 consecutive bases within chr12:15,681,306-15,681,337 gives the same sequence; the position shown is the placement nearest the transcript's 3' end. VCF-style (leftmost placement, unchanged base first): chr12-15681305-G-GTAATAATAA. GRCh37 (hg19) VCF-style: chr12-15834239-G-GTAATAATAA.
Other names: c.60-12_60-4dup (NM_004447.5); c.60-12_60-4dup9 (NM_004447.5).
Identifiers: ClinVar variation 724500 (VCV000724500.25), dbSNP rs201331879, ClinGen allele CA6468002.